The following is an entry in ClinVar:

NM_177438.3(DICER1):c.2023C>G (p.Leu675Val)

Gene: DICER1 (dicer 1, ribonuclease III; minus strand). Cytogenetic location: 14q32.13.
Variant type: single nucleotide variant.
Coding change: c.2023C>G on transcript NM_177438.3 (MANE Select); coding-DNA position 2023, C replaced by G.
Protein change: p.Leu675Val; replaces leucine 675 with valine.
Molecular consequence: missense variant.
Genome position (GRCh38, 1-based): chr14:95,113,109, G>C on the plus strand (C>G on the coding strand, the complement: DICER1 is on the minus strand). VCF-style: chr14-95113109-G-C. GRCh37 (hg19) VCF-style: chr14-95579446-G-C.
Other names: c.2023C>G, p.Leu675Val (NM_001195573.1, NM_001271282.3, NM_001291628.2 and 1 more transcripts); short protein forms L675V.
Identifiers: ClinVar variation 575656 (VCV000575656.16), dbSNP rs1201056619, ClinGen allele CA390883186.

ClinVar aggregate classification (germline): Uncertain significance. Review status: criteria provided, multiple submitters, no conflicts (2 of 4 stars). 2 submissions from 2 submitters: Uncertain significance (2). Last evaluated 2025-07-01.

Conditions:
Hereditary cancer-predisposing syndrome. Also called: Hereditary neoplastic syndrome; Tumor predisposition; Hereditary Cancer Syndrome; Neoplastic Syndromes, Hereditary. Identifiers: Orphanet 140162, MedGen C0027672, MeSH D009386, MONDO:0015356.
DICER1-related tumor predisposition. Also called: DICER1 syndrome; DICER1-related pleuropulmonary blastoma cancer predisposition syndrome. Identifiers: Orphanet 284343, MedGen C3839822, MONDO:0100216.

Allele frequency attached by ClinVar (database versions not stated): TOPMed below 0.00001; gnomAD 0.00001.
gnomAD v4.1: 1 of 1,613,728 alleles (0.000062%); highest among the groups gnomAD compares: Non-Finnish European, 0.000085%; no homozygotes.

Submissions (2):

Ambry Genetics
Classification: Uncertain significance for Hereditary cancer-predisposing syndrome. Last evaluated: 2025-07-01. Review status: criteria provided, single submitter. Criteria: Ambry Variant Classification Scheme 2023. Collection method: clinical testing. Allele origin: germline.
Comment: The p.L675V variant (also known as c.2023C>G), located in coding exon 11 of the DICER1 gene, results from a C to G substitution at nucleotide position 2023. The leucine at codon 675 is replaced by valine, an amino acid with highly similar properties. This amino acid position is highly conserved in available vertebrate species. In addition, this alteration is predicted to be tolerated by in silico analysis. Based on the available evidence, the clinical significance of this variant remains unclear.

Labcorp Genetics (formerly Invitae), Labcorp
Classification: Uncertain significance for DICER1-related tumor predisposition. Last evaluated: 2024-05-26. Review status: criteria provided, single submitter. Criteria: Invitae Variant Classification Sherloc (09022015). Collection method: clinical testing. Allele origin: germline.
Comment: This sequence change replaces leucine, which is neutral and non-polar, with valine, which is neutral and non-polar, at codon 675 of the DICER1 protein (p.Leu675Val). This variant is not present in population databases (gnomAD no frequency). This variant has not been reported in the literature in individuals affected with DICER1-related conditions. ClinVar contains an entry for this variant (Variation ID: 575656). Advanced modeling of protein sequence and biophysical properties (such as structural, functional, and spatial information, amino acid conservation, physicochemical variation, residue mobility, and thermodynamic stability) performed at Invitae indicates that this missense variant is not expected to disrupt DICER1 protein function with a negative predictive value of 80%. In summary, the available evidence is currently insufficient to determine the role of this variant in disease. Therefore, it has been classified as a Variant of Uncertain Significance.